The following is an entry in ClinVar:

ClinVar aggregate classification (germline): Likely benign (1 of 4 stars; one submission).

Allele frequency attached by ClinVar (database versions not stated): gnomAD 0.00001; gnomAD exomes 0.00003; ExAC 0.00006; 1000 Genomes Project 0.00020; 1000 Genomes Project 30x 0.00031.

Submission:

CeGaT Center for Human Genetics Tuebingen
Classification: Likely benign. Last evaluated: 2023-04-01. Review status: criteria provided, single submitter. Criteria: CeGaT Center For Human Genetics Tuebingen Variant Classification Criteria Version 2. Collection method: clinical testing. Allele origin: germline. Affected: yes. Observed: 1 variant allele.
Comment: KIF4B: BP4, BP7

NM_001099293.3(KIF4B):c.1704C>T (p.Val568=)

Gene: KIF4B (kinesin family member 4B; plus strand). Cytogenetic location: 5q33.2.
Variant type: single nucleotide variant.
Coding change: c.1704C>T on transcript NM_001099293.3 (MANE Select); coding-DNA position 1704, C replaced by T.
Protein change: p.Val568=; no amino-acid change (valine 568 retained).
Molecular consequence: synonymous variant.
Genome position (GRCh38, 1-based): chr5:155,015,563, C>T. VCF-style: chr5-155015563-C-T. GRCh37 (hg19) VCF-style: chr5-154395123-C-T.
Identifiers: ClinVar variation 2655983 (VCV002655983.24), dbSNP rs528971810, ClinGen allele CA3530068.
Genomic context (GRCh38, chr5:155,015,563, plus strand): 5'-CCAACTACAGCCCATTCAGTTTCAATACCAGGATAACATAAAAAATCTAGAATTAGAAGT[C>T]ATCAATCTGCAAAAGGAAAAGGAAGAATTGGTTCGTGAACTTCAGACAGCAAAGAAGAAT-3'
Protein context (NP_001092763.1, residues 558-578): QDNIKNLELE[Val568=]INLQKEKEEL